The following is an entry in ClinVar:

ClinVar aggregate classification (germline): Benign/Likely benign. Review status: criteria provided, multiple submitters, no conflicts (2 of 4 stars). 4 submissions from 4 submitters: Benign (2); Likely benign (2). Last evaluated 2026-09-01.

Allele frequency attached by ClinVar (database versions not stated): ExAC 0.00196; gnomAD exomes 0.00203; TOPMed 0.00217; ESP Exome Variant Server 0.00308; 1000 Genomes Project 30x 0.00031; 1000 Genomes Project 0.00040.
gnomAD v4.1: 5,531 of 1,608,124 alleles (0.34%); highest among the groups gnomAD compares: Non-Finnish European, 0.44%; 15 homozygotes.

Submissions (4):

CeGaT Center for Human Genetics Tuebingen
Classification: Likely benign. Last evaluated: 2026-09-01. Review status: criteria provided, single submitter. Criteria: CeGaT Center For Human Genetics Tuebingen Variant Classification Criteria Version 2. Collection method: clinical testing. Allele origin: germline. Affected: yes. Observed: 8 variant alleles.
Comment: RAB11B: BP4, BS2

Labcorp Genetics (formerly Invitae), Labcorp
Classification: Benign. Last evaluated: 2026-02-02. Review status: criteria provided, single submitter. Criteria: Invitae Variant Classification Sherloc (09022015). Collection method: clinical testing. Allele origin: germline.

Blueprint Genetics
Classification: Likely benign. Last evaluated: 2024-11-04. Review status: criteria provided, single submitter. Criteria: ACMG Guidelines, 2015. Collection method: clinical testing. Allele origin: germline.

Breakthrough Genomics
Classification: Benign. Review status: criteria provided, single submitter. Criteria: ACMG Guidelines, 2015. Collection method: not provided. Allele origin: germline. Inheritance: Autosomal dominant inheritance. Affected: yes.

NM_004218.4(RAB11B):c.511+7G>A

Gene: RAB11B (RAB11B, member RAS oncogene family; plus strand). Cytogenetic location: 19p13.2.
Variant type: single nucleotide variant.
Coding change: c.511+7G>A on transcript NM_004218.4 (MANE Select); 7 bases into the intron after coding-DNA position 511, G replaced by A.
Molecular consequence: intron variant.
Genome position (GRCh38, 1-based): chr19:8,402,572, G>A. VCF-style: chr19-8402572-G-A. GRCh37 (hg19) VCF-style: chr19-8467456-G-A.
Identifiers: ClinVar variation 1546074 (VCV001546074.33), dbSNP rs189423671, ClinGen allele CA9156383.
Genomic context (GRCh38, chr19:8,402,572, plus strand): 5'-CCTCAGCCTTGGATTCCACTAACGTAGAGGAAGCATTCAAGAACATCCTCACAGGTGGCC[G>A]GGGACCAGATGGGTGTGGGTAGGGCACCAGCCAGGCAGGGTGGAACACGGCCTCTGAACC-3'